The following is an entry in ClinVar:

NM_032590.5(KDM2B):c.2788AAG[2] (p.Lys932del)

Gene: KDM2B (lysine demethylase 2B; minus strand). Cytogenetic location: 12q24.31.
Variant type: Microsatellite.
Coding change: c.2788AAG[2] on transcript NM_032590.5 (MANE Select); two copies in a row of the 3-base unit AAG starting at c.2788; the reference has three copies in a row; one copy, 3 bases deleted.
Protein change: p.Lys932del; deletes lysine 932.
Molecular consequence: inframe deletion.
Genome position (GRCh38, 1-based): chr12:121,442,645-121,442,647, CTT deleted on the plus strand (AAG on the coding strand, the reverse complement: KDM2B is on the minus strand); deleting any 3 consecutive bases within chr12:121,442,645-121,442,655 gives the same sequence; the position shown is the placement nearest the transcript's 3' end. VCF-style (leftmost placement, unchanged base first): chr12-121442644-CCTT-C. GRCh37 (hg19) VCF-style: chr12-121880447-CCTT-C.
Other names: c.2581AAG[2], p.Lys863del (NM_001005366.2); short protein forms K863del, K932del.
Identifiers: ClinVar variation 3904777 (VCV003904777.10).

ClinVar aggregate classification (germline): Benign (1 of 4 stars; one submission).

Submission:

CeGaT Center for Human Genetics Tuebingen
Classification: Benign. Last evaluated: 2026-09-01. Review status: criteria provided, single submitter. Criteria: CeGaT Center For Human Genetics Tuebingen Variant Classification Criteria Version 2. Collection method: clinical testing. Allele origin: germline. Affected: yes. Observed: 7 variant alleles.
Comment: KDM2B: PM4:Supporting, BS1, BS2